The following is an entry in ClinVar:

NM_152906.7(TANGO2):c.341A>G (p.His114Arg)

Gene: TANGO2 (transport and golgi organization 2 homolog; plus strand). Cytogenetic location: 22q11.21.
Variant type: single nucleotide variant.
Coding change: c.341A>G on transcript NM_152906.7 (MANE Select); coding-DNA position 341, A replaced by G.
Protein change: p.His114Arg; replaces histidine 114 with arginine.
Molecular consequence: missense variant. On other transcripts: non-coding transcript variant (1), intron variant (18).
Genome position (GRCh38, 1-based): chr22:20,053,512, A>G. VCF-style: chr22-20053512-A-G. GRCh37 (hg19) VCF-style: chr22-20041035-A-G.
Other names: c.341A>G, p.His114Arg (NM_001283106.3, NM_001283116.3, NM_001283148.3 and 3 more transcripts); c.464A>G, p.His155Arg (NM_001283129.3, NM_001283215.3, NM_001322141.2 and 3 more transcripts); c.239A>G, p.His80Arg (NM_001322146.2, NM_001322148.2, NM_001322160.2); c.265+928A>G (NM_001322163.2, NM_001283179.3, NM_001322167.2 and 4 more transcripts); c.86+928A>G (NM_001322174.2, NM_001322172.2, NM_001322175.2 and 6 more transcripts); c.388+928A>G (NM_001322145.2, NM_001322147.2); short protein forms H114R, H155R, H80R.
Identifiers: ClinVar variation 3618054 (VCV003618054.1).
Genomic context (GRCh38, chr22:20,053,512, plus strand): 5'-ACTTTCTGACCACTGACGTGGACAGCTTGTCCTACCTGAAGAAGGTCTCTATGGAGGGCC[A>G]TCTGTACAATGGCTTCAACCTCATAGCAGCCGACCTGAGGTGGGTCTGCCAGAGGGGGAT-3'
Protein context (NP_690870.3, residues 104-124): SYLKKVSMEG[His114Arg]LYNGFNLIAA

ClinVar aggregate classification (germline): Uncertain significance (1 of 4 stars; one submission).

gnomAD v4.1: 6 of 1,613,890 alleles (0.00037%); highest among the groups gnomAD compares: South Asian, 0.0011%; no homozygotes.

Submission:

Labcorp Genetics (formerly Invitae), Labcorp
Classification: Uncertain significance. Last evaluated: 2024-07-24. Review status: criteria provided, single submitter. Criteria: Invitae Variant Classification Sherloc (09022015). Collection method: clinical testing. Allele origin: germline.
Comment: This sequence change replaces histidine, which is basic and polar, with arginine, which is basic and polar, at codon 114 of the TANGO2 protein (p.His114Arg). This variant is present in population databases (no rsID available, gnomAD 0.003%). This variant has not been reported in the literature in individuals affected with TANGO2-related conditions. An algorithm developed to predict the effect of missense changes on protein structure and function (PolyPhen-2) suggests that this variant is likely to be disruptive. In summary, the available evidence is currently insufficient to determine the role of this variant in disease. Therefore, it has been classified as a Variant of Uncertain Significance.